The following is an entry in ClinVar:

ClinVar aggregate classification (germline): Conflicting classifications of pathogenicity. Review status: criteria provided, conflicting classifications (1 of 4 stars). 2 submissions from 2 submitters: Pathogenic (1); Uncertain significance (1). Last evaluated 2024-02-20.

Conditions:
Polycystic kidney disease, adult type (PKD1). Also called: POLYCYSTIC KIDNEY DISEASE, ADULT, TYPE I; Polycystic Kidney Disease 1, Autosomal Dominant; Polycystic kidney disease 1; Polycystic kidney disease 1, severe; Polycystic Kidney, Autosomal Dominant; POLYCYSTIC KIDNEY DISEASE 1 WITH OR WITHOUT POLYCYSTIC LIVER DISEASE. Identifiers: MedGen C3149841, MONDO:0008263, OMIM 173900.

Submissions (2):

Fulgent Genetics
Classification: Pathogenic for Polycystic kidney disease, adult type. Last evaluated: 2024-02-20. Review status: criteria provided, single submitter. Criteria: ACMG Guidelines, 2015. Collection method: clinical testing. Allele origin: germline.

Juno Genomics, Hangzhou Juno Genomics, Inc
Classification: Uncertain significance for Polycystic kidney disease, adult type. Review status: criteria provided, single submitter. Criteria: ACMG Guidelines, 2015. Collection method: clinical testing. Allele origin: germline. Affected: yes.
Comment: Absent from controls (or at extremely low frequency if recessive) in Genome Aggregation Database, Exome Sequencing Project, 1000 Genomes Project, or Exome Aggregation Consortium.;Null variant in a gene where loss of function (LOF) is a known mechanism of disease.;The prevalence of the variant in affected individuals is significantly increased compared to the prevalence in controls.;Patient's phenotype or family history is highly specific for a disease with a single genetic etiology.

NM_001009944.3(PKD1):c.12646C>T (p.Gln4216Ter)

Gene: PKD1 (polycystin 1, transient receptor potential channel interacting; minus strand). Cytogenetic location: 16p13.3.
Variant type: single nucleotide variant.
Coding change: c.12646C>T on transcript NM_001009944.3 (MANE Select); coding-DNA position 12646, C replaced by T.
Protein change: p.Gln4216Ter; replaces glutamine 4216 with a stop codon.
Molecular consequence: nonsense.
Genome position (GRCh38, 1-based): chr16:2,089,993, G>A on the plus strand (C>T on the coding strand, the complement: PKD1 is on the minus strand). VCF-style: chr16-2089993-G-A. GRCh37 (hg19) VCF-style: chr16-2139994-G-A.
Other names: c.12643C>T, p.Gln4215Ter (NM_000296.4); short protein forms Q4215*, Q4216*.
Identifiers: ClinVar variation 3382163 (VCV003382163.3).
Genomic context (GRCh38, chr16:2,089,993, plus strand): 5'-CGTCCTCTGTGGCCTGGTTGAGTCGGTCAAACTGGGTGAGCAGGGCCTCGAACACGGCTT[G>A]GAGGCGGGAGGGCTCAGGCTCACACCTTGTCCCCAGCCGGCCCAGGCTCACGCTCAGCCC-3'